The following is an entry in ClinVar:

ClinVar aggregate classification (germline): Pathogenic (1 of 4 stars; one submission).

Conditions:
Familial cancer of breast. Also called: hereditary breast carcinoma; Hereditary breast cancer; BREAST CANCER, FAMILIAL. Identifiers: Orphanet 227535, MedGen C0346153, MONDO:0016419, OMIM 114480. Disease mechanism: loss of function.

Submission:

Labcorp Genetics (formerly Invitae), Labcorp
Classification: Pathogenic for Familial cancer of breast. Last evaluated: 2021-12-01. Review status: criteria provided, single submitter. Criteria: Invitae Variant Classification Sherloc (09022015). Collection method: clinical testing. Allele origin: germline.
Comment: For these reasons, this variant has been classified as Pathogenic. This variant has not been reported in the literature in individuals affected with CHEK2-related conditions. This variant is not present in population databases (gnomAD no frequency). This sequence change creates a premature translational stop signal (p.Ile366Argfs*17) in the CHEK2 gene. It is expected to result in an absent or disrupted protein product. Loss-of-function variants in CHEK2 are known to be pathogenic (PMID: 21876083, 24713400).

Literature cited by the submitters: PubMed 21876083; PubMed 24713400.

NM_007194.4(CHEK2):c.1093_1094dup (p.Ile366fs)

Gene: CHEK2 (checkpoint kinase 2; minus strand). Cytogenetic location: 22q12.1.
Variant type: Duplication.
Coding change: c.1093_1094dup on transcript NM_007194.4 (MANE Select); coding-DNA positions 1093 to 1094, 2 bases duplicated (AA; older notation c.1093_1094dupAA).
Protein change: p.Ile366fs; shifts the reading frame from isoleucine 366.
Molecular consequence: frameshift variant. On other transcripts: intron variant (3).
Genome position (GRCh38, 1-based): chr22:28,696,902-28,696,903, TT duplicated on the plus strand (AA on the coding strand, the reverse complement: CHEK2 is on the minus strand); duplicating any 2 consecutive bases within chr22:28,696,902-28,696,904 gives the same sequence; the c. name uses the placement nearest the transcript's 3' end. VCF-style (leftmost placement, unchanged base first): chr22-28696901-C-CTT. GRCh37 (hg19) VCF-style: chr22-29092889-C-CTT.
Other names: c.1222_1223dup, p.Ile409fs (NM_001005735.3); c.430_431dup, p.Ile145fs (NM_001257387.3, NM_001437942.1); c.892_893dup, p.Ile299fs (NM_001349956.3); c.1186_1187dup, p.Ile397fs (NM_001438293.1); c.1009-1030_1009-1029dup (NM_145862.3); c.1102-1030_1102-1029dup (NM_001438295.1); c.1138-1030_1138-1029dup (NM_001438294.1); short protein forms I299fs, I366fs, I409fs, I145fs, I397fs.
Identifiers: ClinVar variation 1445802 (VCV001445802.7), dbSNP rs2145815556, ClinGen allele CA2573157998.
Genomic context (GRCh38, chr22:28,696,901, plus strand): 5'-TTAAAAGTTTCTGAACAAGAATCTACAGGAATAGCCACATACAGAATGCCAATTTCTTAC[C>CTT]TTTATAAGACAGTCCTCTTCTTGAGATGACAGTAAAACATTCTCTGGCTTTAAGTCACGG-3'